The following is an entry in ClinVar:

NM_016642.4(SPTBN5):c.10286T>C (p.Leu3429Pro)

Gene: SPTBN5 (spectrin beta, non-erythrocytic 5; minus strand). Cytogenetic location: 15q15.1.
Variant type: single nucleotide variant.
Coding change: c.10286T>C on transcript NM_016642.4 (MANE Select); coding-DNA position 10286, T replaced by C.
Protein change: p.Leu3429Pro; replaces leucine 3429 with proline.
Molecular consequence: missense variant.
Genome position (GRCh38, 1-based): chr15:41,852,885, A>G on the plus strand (T>C on the coding strand, the complement: SPTBN5 is on the minus strand). VCF-style: chr15-41852885-A-G. GRCh37 (hg19) VCF-style: chr15-42145083-A-G.
Other names: short protein forms L3429P.
Identifiers: ClinVar variation 2672584 (VCV002672584.23), dbSNP rs200995898, ClinGen allele CA7501097.

ClinVar aggregate classification (germline): Benign (1 of 4 stars; one submission).

Allele frequency attached by ClinVar (database versions not stated): ExAC 0.00076; gnomAD 0.00076; TOPMed 0.00078; gnomAD exomes 0.00129; ESP Exome Variant Server 0.00058.
gnomAD v4.1: 1,971 of 1,608,928 alleles (0.12%); highest among the groups gnomAD compares: Non-Finnish European, 0.16%; 1 homozygote.

Submission:

CeGaT Center for Human Genetics Tuebingen
Classification: Benign. Last evaluated: 2023-11-01. Review status: criteria provided, single submitter. Criteria: CeGaT Center For Human Genetics Tuebingen Variant Classification Criteria Version 2. Collection method: clinical testing. Allele origin: germline. Affected: yes. Observed: 1 variant allele.
Comment: SPTBN5: BS1, BS2